The following is an entry in ClinVar:

NM_001036.6(RYR3):c.2083G>A (p.Gly695Arg)

Gene: RYR3 (ryanodine receptor 3; plus strand). Cytogenetic location: 15q14.
Variant type: single nucleotide variant.
Coding change: c.2083G>A on transcript NM_001036.6 (MANE Select); coding-DNA position 2083, G replaced by A.
Protein change: p.Gly695Arg; replaces glycine 695 with arginine.
Molecular consequence: missense variant.
Genome position (GRCh38, 1-based): chr15:33,603,283, G>A. VCF-style: chr15-33603283-G-A. GRCh37 (hg19) VCF-style: chr15-33895484-G-A.
Other names: c.2083G>A, p.Gly695Arg (NM_001243996.4); short protein forms G695R.
Identifiers: ClinVar variation 570741 (VCV000570741.8), dbSNP rs776048938, ClinGen allele CA7458325.

ClinVar aggregate classification (germline): Uncertain significance (1 of 4 stars; one submission).

Conditions:
Epileptic encephalopathy. Identifiers: MedGen C0543888, HP:0200134.

Allele frequency attached by ClinVar (database versions not stated): ExAC 0.00002; gnomAD 0.00003; gnomAD exomes 0.00004 and 0.00002; TOPMed 0.00002.
gnomAD v4.1: 17 of 1,613,740 alleles (0.0011%); highest among the groups gnomAD compares: Admixed American, 0.028%; no homozygotes.

Submission:

Labcorp Genetics (formerly Invitae), Labcorp
Classification: Uncertain significance for Epileptic encephalopathy. Last evaluated: 2020-02-12. Review status: criteria provided, single submitter. Criteria: Invitae Variant Classification Sherloc (09022015). Collection method: clinical testing. Allele origin: germline.
Comment: This variant is present in population databases (rs776048938, ExAC 0.03%). This variant has not been reported in the literature in individuals with RYR3-related disease. Algorithms developed to predict the effect of missense changes on protein structure and function (SIFT, PolyPhen-2, Align-GVGD) all suggest that this variant is likely to be disruptive, but these predictions have not been confirmed by published functional studies and their clinical significance is uncertain. In summary, the available evidence is currently insufficient to determine the role of this variant in disease. Therefore, it has been classified as a Variant of Uncertain Significance. This sequence change replaces glycine with arginine at codon 695 of the RYR3 protein (p.Gly695Arg). The glycine residue is highly conserved and there is a moderate physicochemical difference between glycine and arginine.